The following is an entry in ClinVar:

ClinVar aggregate classification (germline): Uncertain significance (1 of 4 stars; one submission).

Submission:

Labcorp Genetics (formerly Invitae), Labcorp
Classification: Uncertain significance. Last evaluated: 2024-10-25. Review status: criteria provided, single submitter. Criteria: Invitae Variant Classification Sherloc (09022015). Collection method: clinical testing. Allele origin: germline.
Comment: This sequence change replaces isoleucine, which is neutral and non-polar, with valine, which is neutral and non-polar, at codon 2377 of the ATR protein (p.Ile2377Val). This variant is not present in population databases (gnomAD no frequency). This variant has not been reported in the literature in individuals affected with ATR-related conditions. An algorithm developed to predict the effect of missense changes on protein structure and function (PolyPhen-2) suggests that this variant is likely to be disruptive. In summary, the available evidence is currently insufficient to determine the role of this variant in disease. Therefore, it has been classified as a Variant of Uncertain Significance.

NM_001184.4(ATR):c.7129A>G (p.Ile2377Val)

Gene: ATR (ATR checkpoint kinase; minus strand). Cytogenetic location: 3q23.
Variant type: single nucleotide variant.
Coding change: c.7129A>G on transcript NM_001184.4 (MANE Select); coding-DNA position 7129, A replaced by G.
Protein change: p.Ile2377Val; replaces isoleucine 2377 with valine.
Molecular consequence: missense variant.
Genome position (GRCh38, 1-based): chr3:142,462,003, T>C on the plus strand (A>G on the coding strand, the complement: ATR is on the minus strand). VCF-style: chr3-142462003-T-C. GRCh37 (hg19) VCF-style: chr3-142180845-T-C.
Other names: c.6937A>G, p.Ile2313Val (NM_001354579.2); short protein forms I2377V, I2313V.
Identifiers: ClinVar variation 2796852 (VCV002796852.3), dbSNP rs2071031928, ClinGen allele CA354799522.